The following is an entry in ClinVar:

NM_052947.4(ALPK2):c.1808C>G (p.Ala603Gly)

Gene: ALPK2 (alpha kinase 2; minus strand). Cytogenetic location: 18q21.31.
Variant type: single nucleotide variant.
Coding change: c.1808C>G on transcript NM_052947.4 (MANE Select); coding-DNA position 1808, C replaced by G.
Protein change: p.Ala603Gly; replaces alanine 603 with glycine.
Molecular consequence: missense variant.
Genome position (GRCh38, 1-based): chr18:58,578,968, G>C on the plus strand (C>G on the coding strand, the complement: ALPK2 is on the minus strand). VCF-style: chr18-58578968-G-C. GRCh37 (hg19) VCF-style: chr18-56246200-G-C.
Other names: short protein forms A603G.
Identifiers: ClinVar variation 1780509 (VCV001780509.3), dbSNP rs1224328178, ClinGen allele CA402560078.

ClinVar aggregate classification (germline): Uncertain significance (1 of 4 stars; one submission).

gnomAD v4.1: 3 of 1,614,212 alleles (0.00019%); highest among the groups gnomAD compares: East Asian, 0.0067%; no homozygotes.

Submission:

Ambry Genetics
Classification: Uncertain significance. Last evaluated: 2024-05-23. Review status: criteria provided, single submitter. Criteria: Ambry Variant Classification Scheme 2023. Collection method: clinical testing. Allele origin: germline.
Comment: The p.A603G variant (also known as c.1808C>G), located in coding exon 3 of the ALPK2 gene, results from a C to G substitution at nucleotide position 1808. The alanine at codon 603 is replaced by glycine, an amino acid with similar properties. This amino acid position is conserved. In addition, this alteration is predicted to be tolerated by in silico analysis. Since supporting evidence is limited at this time, the clinical significance of this alteration remains unclear.